The following is an entry in ClinVar:

NM_001195553.2(DCX):c.691C>T (p.Leu231=)

Gene: DCX (doublecortin; minus strand). Cytogenetic location: Xq23.
Variant type: single nucleotide variant.
Coding change: c.691C>T on transcript NM_001195553.2 (MANE Select); coding-DNA position 691, C replaced by T.
Protein change: p.Leu231=; no amino-acid change (leucine 231 retained).
Molecular consequence: synonymous variant.
Genome position (GRCh38, 1-based): chrX:111,401,004, G>A on the plus strand (C>T on the coding strand, the complement: DCX is on the minus strand). VCF-style: chrX-111401004-G-A. GRCh37 (hg19) VCF-style: chrX-110644232-G-A.
Other names: c.934C>T, p.Leu312= (NM_000555.3); c.691C>T, p.Leu231= (NM_001369370.1, NM_001369371.1, NM_001369372.1 and 6 more transcripts).
Identifiers: ClinVar variation 3375456 (VCV003375456.1).

ClinVar aggregate classification (germline): Likely benign (1 of 4 stars; one submission).

gnomAD v4.1: 3 of 1,209,091 alleles (0.00025%); highest among the groups gnomAD compares: Admixed American, 0.0066%; no homozygotes.

Submission:

Women's Health and Genetics/Laboratory Corporation of America, LabCorp
Classification: Likely benign. Last evaluated: 2024-09-16. Review status: criteria provided, single submitter. Criteria: LabCorp Variant Classification Summary - May 2015. Collection method: clinical testing. Allele origin: germline.
Comment: Variant summary: DCX c.691C>T alters a non-conserved nucleotide resulting in a synonymous change. Consensus agreement among computation tools predict no significant impact on normal splicing. However, these predictions have yet to be confirmed by functional studies. The variant allele was found at a frequency of 5.5e-06 in 182065 control chromosomes. The available data on variant occurrences in the general population are insufficient to allow any conclusion about variant significance. To our knowledge, no occurrence of c.691C>T in individuals affected with DCX-Related Disorders and no experimental evidence demonstrating its impact on protein function have been reported. No submitters have cited clinical-significance assessments for this variant to ClinVar. Based on the evidence outlined above, the variant was classified as likely benign.